The following is an entry in ClinVar:

NM_001042492.3(NF1):c.4306G>A (p.Glu1436Lys)

Gene: NF1 (neurofibromin 1; plus strand). Cytogenetic location: 17q11.2.
Variant type: single nucleotide variant.
Coding change: c.4306G>A on transcript NM_001042492.3 (MANE Select); coding-DNA position 4306, G replaced by A.
Protein change: p.Glu1436Lys; replaces glutamic acid 1436 with lysine.
Molecular consequence: missense variant.
Genome position (GRCh38, 1-based): chr17:31,258,476, G>A. VCF-style: chr17-31258476-G-A. GRCh37 (hg19) VCF-style: chr17-29585494-G-A.
Other names: c.4243G>A, p.Glu1415Lys (NM_000267.4); short protein forms E1415K, E1436K.
Identifiers: ClinVar variation 233469 (VCV000233469.18), dbSNP rs876660428, ClinGen allele CA10580309.

ClinVar aggregate classification (germline): Conflicting classifications of pathogenicity. Review status: criteria provided, conflicting classifications (1 of 4 stars). 7 submissions from 6 submitters: Uncertain significance (6); Likely benign (1). Last evaluated 2026-03-20.

Conditions:
Hereditary cancer-predisposing syndrome. Also called: Tumor predisposition; Hereditary neoplastic syndrome; Hereditary Cancer Syndrome; Neoplastic Syndromes, Hereditary. Identifiers: Orphanet 140162, MedGen C0027672, MeSH D009386, MONDO:0015356.
Cardiovascular phenotype. Identifiers: MedGen CN230736.
Neurofibromatosis, type 1 (NF1). Also called: NEUROFIBROMATOSIS, TYPE I, SOMATIC; Peripheral type neurofibromatosis; Neurofibromatosis, type I; VON RECKLINGHAUSEN DISEASE. Identifiers: Orphanet 636, MedGen C0027831, MONDO:0018975, OMIM 162200. Disease mechanism: loss of function.
Juvenile myelomonocytic leukemia (JMML). Also called: LEUKEMIA, JUVENILE MYELOMONOCYTIC, SOMATIC. Identifiers: Orphanet 86834, MedGen C0349639, MONDO:0011908, OMIM 607785, HP:0012209.

Allele frequency attached by ClinVar (database versions not stated): gnomAD 0.00001.

Submissions (7):

GeneDx
Classification: Uncertain significance. Last evaluated: 2026-03-20. Review status: criteria provided, single submitter. Criteria: GeneDx Variant Classification Process June 2021. Collection method: clinical testing. Allele origin: germline.
Comment: Not observed at significant frequency in large population cohorts (gnomAD); In silico analysis suggests that this missense variant does not alter protein structure/function; Observed in a cohort of patients with breast cancer in published literature (PMID: 30287823); This variant is associated with the following publications: (PMID: 33471991, 25486365, 22807134, 36243179, 30287823)

Labcorp Genetics (formerly Invitae), Labcorp
Classification: Likely benign for Neurofibromatosis, type 1. Last evaluated: 2026-01-13. Review status: criteria provided, single submitter. Criteria: Invitae Variant Classification Sherloc (09022015). Collection method: clinical testing. Allele origin: germline.

Baylor Genetics
Classification: Uncertain significance for Juvenile myelomonocytic leukemia. Last evaluated: 2024-03-11. Review status: criteria provided, single submitter. Criteria: ACMG Guidelines, 2015. Collection method: clinical testing. Allele origin: unknown.

Genome-Nilou Lab
Classification: Uncertain significance for Neurofibromatosis, type 1. Last evaluated: 2022-03-15. Review status: criteria provided, single submitter. Criteria: ACMG Guidelines, 2015. Collection method: clinical testing. Allele origin: germline. Affected: no.

Sema4
Classification: Uncertain significance for Hereditary cancer-predisposing syndrome. Last evaluated: 2021-09-13. Review status: criteria provided, single submitter. Criteria: Sema4 Curation Guidelines. Collection method: curation. Allele origin: germline.
Comment: The NF1 c.4243G>A (p.E1415K) variant has been reported in heterozygosity in at least two individuals with breast cancer (PMID: 30287823, 33471991). It was not observed in the large and broad cohorts of the Genome Aggregation Database. The variant has been reported in ClinVar (Variation ID 233469). Functional studies have not been performed, and in silico predictions of the variant's effect on protein function are inconclusive. The evidence is insufficient to meet ACMG/AMP criteria for classifying the variant as benign or pathogenic. Thus, the clinical significance of this variant is currently uncertain.

Ambry Genetics
Classification: Uncertain significance for Cardiovascular phenotype; Hereditary cancer-predisposing syndrome. Last evaluated: 2020-12-31. Review status: criteria provided, single submitter. Criteria: Ambry Variant Classification Scheme 2023. Collection method: clinical testing. Allele origin: germline.

Ambry Genetics
Classification: Uncertain significance for Hereditary cancer-predisposing syndrome. Last evaluated: 2015-08-20. Review status: criteria provided, single submitter. Criteria: Ambry Autosomal Dominant and X-Linked criteria (10/2015). Collection method: clinical testing. Allele origin: germline. Observed: 1 variant allele.
Comment: The p.E1436K variant (also known as c.4306G>A), located in coding exon 32 of the NF1 gene, results from a G to A substitution at nucleotide position 4306. The glutamic acid at codon 1436 is replaced by lysine, an amino acid with similar properties. This variant was not reported in population based cohorts in the following databases: Database of Single Nucleotide Polymorphisms (dbSNP), NHLBI Exome Sequencing Project (ESP), and 1000 Genomes Project. In the ESP, this variant was not observed in 6502 samples (13004 alleles) with coverage at this position. To date, this alteration has been detected with an allele frequency of approximately 0.002% (greater than 55000alleles tested) in our clinical cohort.This amino acid position is highly conserved in available vertebrate species. In addition, this alteration is predicted to be deleterious by in silico analysis.Since supporting evidence is limited at this time, the clinical significance of p.E1436Kremains unclear.

Literature cited by the submitters: PubMed 30287823 (cited by Sema4); PubMed 33471991 (cited by Sema4).